The following is an entry in ClinVar:

NM_004356.4(CD81):c.511A>G (p.Lys171Glu)

Gene: CD81 (CD81 molecule; plus strand). Cytogenetic location: 11p15.5.
Variant type: single nucleotide variant.
Coding change: c.511A>G on transcript NM_004356.4 (MANE Select); coding-DNA position 511, A replaced by G.
Protein change: p.Lys171Glu; replaces lysine 171 with glutamic acid.
Molecular consequence: missense variant.
Genome position (GRCh38, 1-based): chr11:2,395,920, A>G. VCF-style: chr11-2395920-A-G. GRCh37 (hg19) VCF-style: chr11-2417150-A-G.
Other names: c.298A>G, p.Lys100Glu (NM_001297649.2); short protein forms K171E, K100E.
Identifiers: ClinVar variation 2085527 (VCV002085527.4), dbSNP rs746990758, ClinGen allele CA5820050.

ClinVar aggregate classification (germline): Uncertain significance (1 of 4 stars; one submission).

Allele frequency attached by ClinVar (database versions not stated): gnomAD 0.00001; gnomAD exomes 0.00002; TOPMed 0.00002; ExAC 0.00006.
gnomAD v4.1: 28 of 1,612,488 alleles (0.0017%); highest among the groups gnomAD compares: Non-Finnish European, 0.0023%; no homozygotes.

Submission:

Labcorp Genetics (formerly Invitae), Labcorp
Classification: Uncertain significance. Last evaluated: 2026-01-20. Review status: criteria provided, single submitter. Criteria: Invitae Variant Classification Sherloc (09022015). Collection method: clinical testing. Allele origin: germline.
Comment: This sequence change replaces lysine, which is basic and polar, with glutamic acid, which is acidic and polar, at codon 171 of the CD81 protein (p.Lys171Glu). This variant is present in population databases (rs746990758, gnomAD 0.01%). This variant has not been reported in the literature in individuals affected with CD81-related conditions. ClinVar contains an entry for this variant (Variation ID: 2085527). An algorithm developed to predict the effect of missense changes on protein structure and function (PolyPhen-2) suggests that this variant is likely to be tolerated. In summary, the available evidence is currently insufficient to determine the role of this variant in disease. Therefore, it has been classified as a Variant of Uncertain Significance.